The following is an entry in ClinVar:

NM_003620.4(PPM1D):c.1726_1727del (p.Ser575_Val576insTer)

Gene: PPM1D (protein phosphatase, Mg2+/Mn2+ dependent 1D; plus strand). Cytogenetic location: 17q23.2.
Variant type: Deletion.
Coding change: c.1726_1727del on transcript NM_003620.4 (MANE Select); coding-DNA positions 1726 to 1727, 2 bases deleted (GT; older notation c.1726_1727delGT).
Protein change: p.Ser575_Val576insTer.
Molecular consequence: nonsense.
Genome position (GRCh38, 1-based): chr17:60,663,460-60,663,461, GT deleted; deleting any 2 consecutive bases within chr17:60,663,459-60,663,461 gives the same sequence; the c. name uses the placement nearest the transcript's 3' end. VCF-style (leftmost placement, unchanged base first): chr17-60663458-CTG-C. GRCh37 (hg19) VCF-style: chr17-58740819-CTG-C.
Identifiers: ClinVar variation 3612826 (VCV003612826.2).

ClinVar aggregate classification (germline): Uncertain significance (1 of 4 stars; one submission).

Submission:

Labcorp Genetics (formerly Invitae), Labcorp
Classification: Uncertain significance. Last evaluated: 2024-02-05. Review status: criteria provided, single submitter. Criteria: Invitae Variant Classification Sherloc (09022015). Collection method: clinical testing. Allele origin: germline.
Comment: This sequence change creates a premature translational stop signal (p.Val576*) in the PPM1D gene. While this is not anticipated to result in nonsense mediated decay, it is expected to disrupt the last 30 amino acid(s) of the PPM1D protein. This variant is not present in population databases (gnomAD no frequency). This variant has not been reported in the literature in individuals affected with PPM1D-related conditions. In summary, the available evidence is currently insufficient to determine the role of this variant in disease. Therefore, it has been classified as a Variant of Uncertain Significance.